The following is an entry in ClinVar:

ClinVar aggregate classification (germline): Uncertain significance. Review status: criteria provided, multiple submitters, no conflicts (2 of 4 stars). 2 submissions from 2 submitters: Uncertain significance (2). Last evaluated 2026-04-30.

Conditions:
Cardiovascular phenotype. Identifiers: MedGen CN230736.
Long QT syndrome (LQTS). Identifiers: MedGen C0023976, MeSH D008133, MONDO:0002442. Disease mechanism: loss of function. Inheritance: Various modes of inheritance.

Allele frequency attached by ClinVar (database versions not stated): ExAC 0.00001; gnomAD exomes below 0.00001.
gnomAD v4.1: 2 of 1,605,776 alleles (0.00012%); highest among the groups gnomAD compares: Admixed American, 0.0033%; no homozygotes.

Submissions (2):

Ambry Genetics
Classification: Uncertain significance for Cardiovascular phenotype. Last evaluated: 2026-04-30. Review status: criteria provided, single submitter. Criteria: Ambry Variant Classification Scheme 2023. Collection method: clinical testing. Allele origin: germline.
Comment: The p.S127T variant (also known as c.379T>A), located in coding exon 4 of the ANK2 gene, results from a T to A substitution at nucleotide position 379. The serine at codon 127 is replaced by threonine, an amino acid with similar properties. This amino acid position is conserved. In addition, the in silico prediction for this alteration is inconclusive. Based on the available evidence, the clinical significance of this variant remains unclear.

Labcorp Genetics (formerly Invitae), Labcorp
Classification: Uncertain significance for Long QT syndrome. Last evaluated: 2020-11-27. Review status: criteria provided, single submitter. Criteria: Invitae Variant Classification Sherloc (09022015). Collection method: clinical testing. Allele origin: germline.
Comment: In summary, the available evidence is currently insufficient to determine the role of this variant in disease. Therefore, it has been classified as a Variant of Uncertain Significance. Algorithms developed to predict the effect of missense changes on protein structure and function are either unavailable or do not agree on the potential impact of this missense change (SIFT: "Deleterious"; PolyPhen-2: "Probably Damaging"; Align-GVGD: "Class C0"). This variant has not been reported in the literature in individuals with ANK2-related conditions. This variant is present in population databases (rs778452771, ExAC 0.009%). This sequence change replaces serine with threonine at codon 127 of the ANK2 protein (p.Ser127Thr). The serine residue is highly conserved and there is a small physicochemical difference between serine and threonine.

NM_001148.6(ANK2):c.379T>A (p.Ser127Thr)

Gene: ANK2 (ankyrin 2; plus strand). Cytogenetic location: 4q25.
Variant type: single nucleotide variant.
Coding change: c.379T>A on transcript NM_001148.6 (MANE Select); coding-DNA position 379, T replaced by A.
Protein change: p.Ser127Thr; replaces serine 127 with threonine.
Molecular consequence: missense variant.
Genome position (GRCh38, 1-based): chr4:113,199,104, T>A. VCF-style: chr4-113199104-T-A. GRCh37 (hg19) VCF-style: chr4-114120260-T-A.
Other names: c.316T>A, p.Ser106Thr (NM_001354255.2, NM_001354256.2, NM_001354257.2 and 33 more transcripts); c.379T>A, p.Ser127Thr (NM_001354258.2, NM_001354265.2, NM_001354225.2 and 9 more transcripts); c.361T>A, p.Ser121Thr (NM_001354261.2, NM_001386147.1, NM_001386160.1); c.424T>A, p.Ser142Thr (NM_001386144.1, NM_001354230.2, NM_001354231.2 and 5 more transcripts); c.367T>A, p.Ser123Thr (NM_001386148.2, NM_001354269.3, NM_001386186.2 and 1 more transcripts); c.430T>A, p.Ser144Thr (NM_001386174.1, NM_001386175.1); c.379T>A (NM_001148.4); short protein forms S123T, S144T, S106T, S121T, S142T, S127T.
Identifiers: ClinVar variation 1363203 (VCV001363203.9), dbSNP rs778452771, ClinGen allele CA3050010.